The following is an entry in ClinVar:

NM_001379270.1(CNGA1):c.509T>A (p.Leu170Ter)

Genes: CNGA1 (cyclic nucleotide gated channel subunit alpha 1; minus strand), LOC101927157 (uncharacterized LOC101927157; plus strand). Cytogenetic location: 4p12.
Variant type: single nucleotide variant.
Coding change: c.509T>A on transcript NM_001379270.1 (MANE Select); coding-DNA position 509, T replaced by A.
Protein change: p.Leu170Ter; replaces leucine 170 with a stop codon.
Molecular consequence: nonsense.
Genome position (GRCh38, 1-based): chr4:47,942,077, A>T on the plus strand (T>A on the coding strand, the complement: CNGA1 is on the minus strand). VCF-style: chr4-47942077-A-T. GRCh37 (hg19) VCF-style: chr4-47944094-A-T.
Other names: c.509T>A, p.Leu170Ter (NM_000087.5, NM_001142564.2); short protein forms L170*.
Identifiers: ClinVar variation 1458847 (VCV001458847.6), dbSNP rs2110139489, ClinGen allele CA356831532.

ClinVar aggregate classification (germline): Pathogenic (1 of 4 stars; one submission).

Submission:

Labcorp Genetics (formerly Invitae), Labcorp
Classification: Pathogenic. Last evaluated: 2024-01-02. Review status: criteria provided, single submitter. Criteria: Invitae Variant Classification Sherloc (09022015). Collection method: clinical testing. Allele origin: germline.
Comment: This sequence change creates a premature translational stop signal (p.Leu174*) in the CNGA1 gene. It is expected to result in an absent or disrupted protein product. Loss-of-function variants in CNGA1 are known to be pathogenic (PMID: 7479749, 25268133). This variant is not present in population databases (gnomAD no frequency). This premature translational stop signal has been observed in individual(s) with inherited retinal dystrophy (PMID: 25097241). ClinVar contains an entry for this variant (Variation ID: 1458847). Algorithms developed to predict the effect of sequence changes on RNA splicing suggest that this variant may disrupt the consensus splice site. For these reasons, this variant has been classified as Pathogenic.

Literature cited by the submitters: PubMed 7479749; PubMed 25268133; PubMed 25097241.